The following is an entry in ClinVar:

ClinVar aggregate classification (germline): Benign/Likely benign. Review status: criteria provided, multiple submitters, no conflicts (2 of 4 stars). 3 submissions from 3 submitters: Benign (1); Likely benign (2). Last evaluated 2026-01-26.

Conditions:
Nemaline myopathy 2 (NEM2). Also called: Nemaline myopathy 2, autosomal recessive. Identifiers: MedGen C1850569, MONDO:0009725, OMIM 256030.

Allele frequency attached by ClinVar (database versions not stated): gnomAD exomes 0.00030; ExAC 0.00045; gnomAD 0.00087 and 0.00091; TOPMed 0.00087; 1000 Genomes Project 30x 0.00094; ESP Exome Variant Server 0.00094; 1000 Genomes Project 0.00100.
gnomAD v4.1: 285 of 1,543,714 alleles (0.018%); highest among the groups gnomAD compares: African/African-American, 0.29%; 1 homozygote.

Submissions (3):

Labcorp Genetics (formerly Invitae), Labcorp
Classification: Benign for Nemaline myopathy 2. Last evaluated: 2026-01-26. Review status: criteria provided, single submitter. Criteria: Invitae Variant Classification Sherloc (09022015). Collection method: clinical testing. Allele origin: germline.

Blueprint Genetics
Classification: Likely benign. Last evaluated: 2021-11-30. Review status: criteria provided, single submitter. Criteria: ACMG Guidelines, 2015. Collection method: clinical testing. Allele origin: germline.

GeneDx
Classification: Likely benign. Last evaluated: 2017-02-13. Review status: criteria provided, single submitter. Criteria: GeneDx Variant Classification (06012015). Collection method: clinical testing. Allele origin: germline. Affected: yes.
Comment: This variant is considered likely benign or benign based on one or more of the following criteria: it is a conservative change, it occurs at a poorly conserved position in the protein, it is predicted to be benign by multiple in silico algorithms, and/or has population frequency not consistent with disease.

NM_001164508.2(NEB):c.1897-16A>G

Gene: NEB (nebulin; minus strand). Cytogenetic location: 2q23.3.
Variant type: single nucleotide variant.
Coding change: c.1897-16A>G on transcript NM_001164508.2 (MANE Select); 16 bases into the intron before coding-DNA position 1897, A replaced by G.
Molecular consequence: intron variant.
Genome position (GRCh38, 1-based): chr2:151,692,378, T>C on the plus strand (A>G on the coding strand, the complement: NEB is on the minus strand). VCF-style: chr2-151692378-T-C. GRCh37 (hg19) VCF-style: chr2-152548892-T-C.
Other names: c.1897-16A>G (NM_004543.5, NM_001164507.2, NM_001271208.2).
Identifiers: ClinVar variation 507343 (VCV000507343.10), dbSNP rs186001008, ClinGen allele CA1911397.